The following is an entry in ClinVar:

NM_000137.4(FAH):c.1210G>C (p.Gly404Arg)

Gene: FAH (fumarylacetoacetate hydrolase; plus strand). Cytogenetic location: 15q25.1.
Variant type: single nucleotide variant.
Coding change: c.1210G>C on transcript NM_000137.4 (MANE Select); coding-DNA position 1210, G replaced by C.
Protein change: p.Gly404Arg; replaces glycine 404 with arginine.
Molecular consequence: missense variant.
Genome position (GRCh38, 1-based): chr15:80,186,159, G>C. VCF-style: chr15-80186159-G-C. GRCh37 (hg19) VCF-style: chr15-80478501-G-C.
Other names: c.1210G>C, p.Gly404Arg (NM_001374377.1, NM_001374380.1); short protein forms G404R.
Identifiers: ClinVar variation 1348938 (VCV001348938.8), dbSNP rs1297118863, ClinGen allele CA393622186.
Genomic context (GRCh38, chr15:80,186,159, plus strand): 5'-TGTGACTGATCCTTGTCCTCCTCTGTTCCAGGGTACTGCCAGGGGGATGGTTACCGCATC[G>C]GCTTTGGCCAGTGTGCTGGAAAAGTGCTGCCTGCTCTCCTGCCATCATGAGATTTTCTCT-3'
Protein context (NP_000128.1, residues 394-414): GYCQGDGYRI[Gly404Arg]FGQCAGKVLP

ClinVar aggregate classification (germline): Likely pathogenic (1 of 4 stars; one submission).

Conditions:
Tyrosinemia type I (TYRSN1). Also called: FAH DEFICIENCY; Deficiency of fumarylacetoacetase; HEPATORENAL TYROSINEMIA; Tyrosinemia type 1; Fumarylacetoacetase deficiency. Identifiers: Orphanet 882, MedGen C0268490, MONDO:0010161, OMIM 276700. Disease mechanism: loss of function.

Submission:

Labcorp Genetics (formerly Invitae), Labcorp
Classification: Likely pathogenic for Tyrosinemia type I. Last evaluated: 2023-09-19. Review status: criteria provided, single submitter. Criteria: Invitae Variant Classification Sherloc (09022015). Collection method: clinical testing. Allele origin: germline.
Comment: This variant has not been reported in the literature in individuals affected with FAH-related conditions. In summary, the currently available evidence indicates that the variant is pathogenic, but additional data are needed to prove that conclusively. Therefore, this variant has been classified as Likely Pathogenic. This variant disrupts the p.Gly404 amino acid residue in FAH. Other variant(s) that disrupt this residue have been determined to be pathogenic (PMID: 21117323, 27814443; Invitae). This suggests that this residue is clinically significant, and that variants that disrupt this residue are likely to be disease-causing. Advanced modeling of protein sequence and biophysical properties (such as structural, functional, and spatial information, amino acid conservation, physicochemical variation, residue mobility, and thermodynamic stability) performed at Invitae indicates that this missense variant is expected to disrupt FAH protein function. ClinVar contains an entry for this variant (Variation ID: 1348938). This variant is not present in population databases (gnomAD no frequency). This sequence change replaces glycine, which is neutral and non-polar, with arginine, which is basic and polar, at codon 404 of the FAH protein (p.Gly404Arg).

Literature cited by the submitters: PubMed 21117323; PubMed 27814443.